The following is an entry in ClinVar:

NM_006767.4(LZTR1):c.2414A>G (p.Lys805Arg)

Gene: LZTR1 (leucine zipper like post translational regulator 1; plus strand). Cytogenetic location: 22q11.21.
Variant type: single nucleotide variant.
Coding change: c.2414A>G on transcript NM_006767.4 (MANE Select); coding-DNA position 2414, A replaced by G.
Protein change: p.Lys805Arg; replaces lysine 805 with arginine.
Molecular consequence: missense variant.
Genome position (GRCh38, 1-based): chr22:20,997,239, A>G. VCF-style: chr22-20997239-A-G. GRCh37 (hg19) VCF-style: chr22-21351528-A-G.
Other names: short protein forms K805R.
Identifiers: ClinVar variation 1790921 (VCV001790921.8), dbSNP rs772575557, ClinGen allele CA10119455.

ClinVar aggregate classification (germline): Uncertain significance. Review status: criteria provided, multiple submitters, no conflicts (2 of 4 stars). 3 submissions from 3 submitters: Uncertain significance (3). Last evaluated 2025-12-05.

Conditions:
Hereditary cancer-predisposing syndrome. Also called: Hereditary Cancer Syndrome; Hereditary neoplastic syndrome; Tumor predisposition; Neoplastic Syndromes, Hereditary. Identifiers: Orphanet 140162, MedGen C0027672, MeSH D009386, MONDO:0015356.
Cardiovascular phenotype. Identifiers: MedGen CN230736.

Allele frequency attached by ClinVar (database versions not stated): TOPMed below 0.00001; gnomAD 0.00001; gnomAD exomes 0.00001; ExAC 0.00002.
gnomAD v4.1: 15 of 1,612,030 alleles (0.00093%); highest among the groups gnomAD compares: Non-Finnish European, 0.0013%; no homozygotes.

Submissions (3):

Labcorp Genetics (formerly Invitae), Labcorp
Classification: Uncertain significance. Last evaluated: 2025-12-05. Review status: criteria provided, single submitter. Criteria: Invitae Variant Classification Sherloc (09022015). Collection method: clinical testing. Allele origin: germline.
Comment: This sequence change replaces lysine, which is basic and polar, with arginine, which is basic and polar, at codon 805 of the LZTR1 protein (p.Lys805Arg). This variant is present in population databases (rs772575557, gnomAD 0.003%). This variant has not been reported in the literature in individuals affected with LZTR1-related conditions. ClinVar contains an entry for this variant (Variation ID: 1790921). Invitae Evidence Modeling of protein sequence and biophysical properties (such as structural, functional, and spatial information, amino acid conservation, physicochemical variation, residue mobility, and thermodynamic stability) indicates that this missense variant is not expected to disrupt LZTR1 protein function with a negative predictive value of 80%. In summary, the available evidence is currently insufficient to determine the role of this variant in disease. Therefore, it has been classified as a Variant of Uncertain Significance.

Ambry Genetics
Classification: Uncertain significance for Cardiovascular phenotype; Hereditary cancer-predisposing syndrome. Last evaluated: 2025-10-15. Review status: criteria provided, single submitter. Criteria: Ambry Variant Classification Scheme 2023. Collection method: clinical testing. Allele origin: germline.
Comment: The p.K805R variant (also known as c.2414A>G), located in coding exon 21 of the LZTR1 gene, results from an A to G substitution at nucleotide position 2414. The lysine at codon 805 is replaced by arginine, an amino acid with highly similar properties. This amino acid position is highly conserved in available vertebrate species. In addition, this alteration is predicted to be tolerated by in silico analysis. Since supporting evidence is limited at this time, the clinical significance of this alteration remains unclear.

GeneDx
Classification: Uncertain significance. Last evaluated: 2024-07-23. Review status: criteria provided, single submitter. Criteria: GeneDx Variant Classification Process June 2021. Collection method: clinical testing. Allele origin: germline. Affected: yes.
Comment: Not observed at significant frequency in large population cohorts (gnomAD); In silico analysis indicates that this missense variant does not alter protein structure/function; Has not been previously published as pathogenic or benign to our knowledge